The following is an entry in ClinVar:

NM_018699.4(PRDM5):c.783G>T (p.Arg261Ser)

Gene: PRDM5 (PR/SET domain 5; minus strand). Cytogenetic location: 4q27.
Variant type: single nucleotide variant.
Coding change: c.783G>T on transcript NM_018699.4 (MANE Select); coding-DNA position 783, G replaced by T.
Protein change: p.Arg261Ser; replaces arginine 261 with serine.
Molecular consequence: missense variant.
Genome position (GRCh38, 1-based): chr4:120,816,535, C>A on the plus strand (G>T on the coding strand, the complement: PRDM5 is on the minus strand). VCF-style: chr4-120816535-C-A. GRCh37 (hg19) VCF-style: chr4-121737690-C-A.
Other names: c.783G>T (NM_018699.3); c.690G>T, p.Arg230Ser (NM_001300823.2, NM_001300824.2, NM_001379106.1); c.783G>T, p.Arg261Ser (NM_001379104.1); short protein forms R230S, R261S.
Identifiers: ClinVar variation 1760857 (VCV001760857.6), dbSNP rs1396791897, ClinGen allele CA358207557.

ClinVar aggregate classification (germline): Uncertain significance. Review status: criteria provided, multiple submitters, no conflicts (2 of 4 stars). 3 submissions from 3 submitters: Uncertain significance (3). Last evaluated 2024-07-29.

Conditions:
Cardiovascular phenotype. Identifiers: MedGen CN230736.
Brittle cornea syndrome 2 (BCS2). Identifiers: Orphanet 90354, MedGen C3280011, MONDO:0013605, OMIM 614170.

gnomAD v4.1: 6 of 1,614,136 alleles (0.00037%); highest among the groups gnomAD compares: Admixed American, 0.0017%; no homozygotes.

Submissions (3):

GeneDx
Classification: Uncertain significance. Last evaluated: 2024-07-29. Review status: criteria provided, single submitter. Criteria: GeneDx Variant Classification Process June 2021. Collection method: clinical testing. Allele origin: germline. Affected: yes.
Comment: Not observed at significant frequency in large population cohorts (gnomAD); In silico analysis indicates that this missense variant does not alter protein structure/function; Has not been previously published as pathogenic or benign to our knowledge

Ambry Genetics
Classification: Uncertain significance for Cardiovascular phenotype. Last evaluated: 2022-04-03. Review status: criteria provided, single submitter. Criteria: Ambry Variant Classification Scheme 2023. Collection method: clinical testing. Allele origin: germline.
Comment: The p.R261S variant (also known as c.783G>T), located in coding exon 7 of the PRDM5 gene, results from a G to T substitution at nucleotide position 783. The arginine at codon 261 is replaced by serine, an amino acid with dissimilar properties. This amino acid position is conserved. In addition, this alteration is predicted to be tolerated by in silico analysis. Since supporting evidence is limited at this time, the clinical significance of this alteration remains unclear.

Revvity Omics, Revvity
Classification: Uncertain significance for Brittle cornea syndrome 2. Last evaluated: 2022-03-28. Review status: criteria provided, single submitter. Criteria: ACMG Guidelines, 2015. Collection method: clinical testing. Allele origin: germline.